The following is an entry in ClinVar:

ClinVar aggregate classification (germline): Uncertain significance (1 of 4 stars; one submission).

gnomAD v4.1: 1 of 1,613,902 alleles (0.000062%); highest among the groups gnomAD compares: Non-Finnish European, 0.000085%; no homozygotes.

Submission:

Labcorp Genetics (formerly Invitae), Labcorp
Classification: Uncertain significance. Last evaluated: 2022-08-12. Review status: criteria provided, single submitter. Criteria: Invitae Variant Classification Sherloc (09022015). Collection method: clinical testing. Allele origin: germline.
Comment: In summary, the available evidence is currently insufficient to determine the role of this variant in disease. Therefore, it has been classified as a Variant of Uncertain Significance. Algorithms developed to predict the effect of missense changes on protein structure and function are either unavailable or do not agree on the potential impact of this missense change (SIFT: "Not Available"; PolyPhen-2: "Benign"; Align-GVGD: "Not Available"). This variant has not been reported in the literature in individuals affected with XPC-related conditions. This variant is not present in population databases (gnomAD no frequency). This sequence change replaces threonine, which is neutral and polar, with isoleucine, which is neutral and non-polar, at codon 362 of the XPC protein (p.Thr362Ile).

NM_004628.5(XPC):c.1085C>T (p.Thr362Ile)

Gene: XPC (XPC complex subunit, DNA damage recognition and repair factor; minus strand). Cytogenetic location: 3p25.1.
Variant type: single nucleotide variant.
Coding change: c.1085C>T on transcript NM_004628.5 (MANE Select); coding-DNA position 1085, C replaced by T.
Protein change: p.Thr362Ile; replaces threonine 362 with isoleucine.
Molecular consequence: missense variant. On other transcripts: non-coding transcript variant (2).
Genome position (GRCh38, 1-based): chr3:14,158,798, G>A on the plus strand (C>T on the coding strand, the complement: XPC is on the minus strand). VCF-style: chr3-14158798-G-A. GRCh37 (hg19) VCF-style: chr3-14200298-G-A.
Other names: c.506C>T, p.Thr169Ile (NM_001354726.2); c.1085C>T, p.Thr362Ile (NM_001354727.2, NM_001354730.2); c.1067C>T, p.Thr356Ile (NM_001354729.2); short protein forms T169I, T356I, T362I.
Identifiers: ClinVar variation 1716246 (VCV001716246.5), dbSNP rs1372868198, ClinGen allele CA351541122.